The following is an entry in ClinVar:

ClinVar aggregate classification (germline): Pathogenic (1 of 4 stars; one submission).

Submission:

Labcorp Genetics (formerly Invitae), Labcorp
Classification: Pathogenic. Last evaluated: 2023-02-14. Review status: criteria provided, single submitter. Criteria: Invitae Variant Classification Sherloc (09022015). Collection method: clinical testing. Allele origin: unknown.
Comment: This variant is a gross deletion of the genomic region encompassing exon(s) 3-7 of the ADAMTSL4 gene, which includes the initiator codon. This deletion extends beyond the assayed region for this gene and therefore may encompass additional genes. It is expected to result in an absent or disrupted protein product. Loss-of-function variants in ADAMTSL4 are known to be pathogenic (PMID: 20564469, 28642162). This variant has not been reported in the literature in individuals affected with ADAMTSL4-related conditions. For these reasons, this variant has been classified as Pathogenic.

Literature cited by the submitters: PubMed 20564469; PubMed 28642162.

NC_000001.10:g.(?_150524765)_(150526963_?)del

Gene: ADAMTSL4 (ADAMTS like 4; plus strand). Cytogenetic location: 1q21.3.
Variant type: Deletion.
Identifiers: ClinVar variation 3248014 (VCV003248014.1).